The following is an entry in ClinVar:

NM_004364.5(CEBPA):c.714G>C (p.Ala238=)

Gene: CEBPA (CCAAT enhancer binding protein alpha; minus strand). Cytogenetic location: 19q13.11.
Variant type: single nucleotide variant.
Coding change: c.714G>C on transcript NM_004364.5 (MANE Select); coding-DNA position 714, G replaced by C.
Protein change: p.Ala238=; no amino-acid change (alanine 238 retained).
Molecular consequence: synonymous variant.
Genome position (GRCh38, 1-based): chr19:33,301,701, C>G on the plus strand (G>C on the coding strand, the complement: CEBPA is on the minus strand). VCF-style: chr19-33301701-C-G. GRCh37 (hg19) VCF-style: chr19-33792607-C-G.
Other names: c.819G>C, p.Ala273= (NM_001287424.2); c.672G>C, p.Ala224= (NM_001287435.2); c.357G>C, p.Ala119= (NM_001285829.2).
Identifiers: ClinVar variation 3646268 (VCV003646268.3).
Genomic context (GRCh38, chr19:33,301,701, plus strand): 5'-GGCGCCCAGCCCCTTGAGCGCGCTGCCAGGGCCCGGCAGGCCGGCGGCACCGAGCGCGGG[C>G]GCGGGGTGCGGGCTGGGCACGGGCGTGGGCGGCGGCGTGGGGTGACCGGGCTGCAGGTGC-3'
Protein context (NP_004355.2, residues 228-248): PPTPVPSPHP[Ala238=]PALGAAGLPG

ClinVar aggregate classification (germline): Conflicting classifications of pathogenicity. Review status: criteria provided, conflicting classifications (1 of 4 stars). 2 submissions from 2 submitters: Uncertain significance (1); Likely benign (1). Last evaluated 2025-12-23.

Conditions:
Acute myeloid leukemia (AML). Also called: Acute myeloid leukemia, adult; AML adult; Acute non-lymphocytic leukemia; Acute granulocytic leukemia; Leukemia, acute myeloid, somatic; Leukemia, acute myelogenous, somatic. Identifiers: Orphanet 519, MedGen C0023467, MeSH D015470, MONDO:0018874, OMIM 601626, HP:0004808. Disease mechanism: Constitutively activated FLT3.
Inborn genetic diseases. Identifiers: MedGen C0950123, MeSH D030342.

Submissions (2):

Ambry Genetics
Classification: Likely benign for Inborn genetic diseases. Last evaluated: 2025-12-23. Review status: criteria provided, single submitter. Criteria: Ambry Variant Classification Scheme 2023. Collection method: clinical testing. Allele origin: germline.

Labcorp Genetics (formerly Invitae), Labcorp
Classification: Uncertain significance for Acute myeloid leukemia. Last evaluated: 2024-03-16. Review status: criteria provided, single submitter. Criteria: Invitae Variant Classification Sherloc (09022015). Collection method: clinical testing. Allele origin: germline.
Comment: This sequence change affects codon 238 of the CEBPA mRNA. It is a 'silent' change, meaning that it does not change the encoded amino acid sequence of the CEBPA protein. This variant is not present in population databases (gnomAD no frequency). This variant has not been reported in the literature in individuals affected with CEBPA-related conditions. In summary, the available evidence is currently insufficient to determine the role of this variant in disease. Therefore, it has been classified as a Variant of Uncertain Significance.